The following is an entry in ClinVar:

ClinVar aggregate classification (germline): Uncertain significance (1 of 4 stars; one submission).

Conditions:
Cardiovascular phenotype. Identifiers: MedGen CN230736.

Submission:

Ambry Genetics
Classification: Uncertain significance for Cardiovascular phenotype. Last evaluated: 2023-02-16. Review status: criteria provided, single submitter. Criteria: Ambry Variant Classification Scheme 2023. Collection method: clinical testing. Allele origin: germline.
Comment: The p.S340R variant (also known as c.1020C>G), located in coding exon 2 of the HCN4 gene, results from a C to G substitution at nucleotide position 1020. The serine at codon 340 is replaced by arginine, an amino acid with dissimilar properties. This amino acid position is conserved. In addition, this alteration is predicted to be deleterious by in silico analysis. Since supporting evidence is limited at this time, the clinical significance of this alteration remains unclear.

NM_005477.3(HCN4):c.1020C>G (p.Ser340Arg)

Genes: HCN4 (hyperpolarization activated cyclic nucleotide gated potassium channel 4; minus strand), LOC105370890 (uncharacterized LOC105370890; plus strand), LOC126862173 (CDK7 strongly-dependent group 2 enhancer GRCh37_chr15:73635762-73636961; plus strand). Cytogenetic location: 15q24.1.
Variant type: single nucleotide variant.
Coding change: c.1020C>G on transcript NM_005477.3 (MANE Select); coding-DNA position 1020, C replaced by G.
Protein change: p.Ser340Arg; replaces serine 340 with arginine.
Molecular consequence: missense variant.
Genome position (GRCh38, 1-based): chr15:73,343,574, G>C on the plus strand (C>G on the coding strand, the complement: HCN4 is on the minus strand). VCF-style: chr15-73343574-G-C. GRCh37 (hg19) VCF-style: chr15-73635915-G-C.
Other names: short protein forms S340R.
Identifiers: ClinVar variation 2450265 (VCV002450265.2), dbSNP rs1435371753, ClinGen allele CA393095027.
Genomic context (GRCh38, chr15:73,343,574, plus strand): 5'-CTCCACAATGAGGAAGATGTAGTCCACGGGGATGGAGGAAATGAAATCTACCATGAACCA[G>C]CTTTTCAGGTACTTCATTTTAATCCGCTGCGGGTCCAGGATGATCTCTGTGTTGTCCTCC-3'
Protein context (NP_005468.1, residues 330-350): PQRIKMKYLK[Ser340Arg]WFMVDFISSI